The following is an entry in ClinVar:

ClinVar aggregate classification (germline): Uncertain significance (1 of 4 stars; one submission).

Conditions:
Hereditary cancer-predisposing syndrome. Also called: Tumor predisposition; Hereditary Cancer Syndrome; Neoplastic Syndromes, Hereditary; Hereditary neoplastic syndrome. Identifiers: Orphanet 140162, MedGen C0027672, MeSH D009386, MONDO:0015356.

Submission:

Color Diagnostics, LLC DBA Color Health
Classification: Uncertain significance for Hereditary cancer-predisposing syndrome. Last evaluated: 2025-05-13. Review status: criteria provided, single submitter. Criteria: ACMG Guidelines, 2015. Collection method: clinical testing. Allele origin: germline.
Comment: This variant results in the replacement of 3 amino acids at codons 789-791 in the PMS2 protein with isoleucine residue. To our knowledge, functional studies have not been reported for this variant. This variant has not been reported in individuals affected with PMS2-related disorders in the literature. This variant has not been identified in the general population by the Genome Aggregation Database (gnomAD). The available evidence is insufficient to determine the role of this variant in disease conclusively. Therefore, this variant is classified as a Variant of Uncertain Significance.

NM_000535.7(PMS2):c.2367_2372del (p.Met789_Ser791delinsIle)

Gene: PMS2 (PMS1 homolog 2, mismatch repair system component; minus strand). Cytogenetic location: 7p22.1.
Variant type: Deletion.
Coding change: c.2367_2372del on transcript NM_000535.7 (MANE Select); coding-DNA positions 2367 to 2372, 6 bases deleted (GCTGAG; older notation c.2367_2372delGCTGAG).
Protein change: p.Met789_Ser791delinsIle.
Molecular consequence: inframe indel. On other transcripts: non-coding transcript variant (1).
Genome position (GRCh38, 1-based): chr7:5,977,661-5,977,666, CTCAGC deleted on the plus strand (GCTGAG on the coding strand, the reverse complement: PMS2 is on the minus strand). VCF-style (leftmost placement, unchanged base first): chr7-5977660-GCTCAGC-G. GRCh37 (hg19) VCF-style: chr7-6017291-GCTCAGC-G.
Other names: c.1962_1967del, p.Met654_Ser656delinsIle (NM_001322005.2, NM_001322003.2, NM_001322004.2 and 11 more transcripts); c.2211_2216del, p.Met737_Ser739delinsIle (NM_001322006.2); c.2049_2054del, p.Met683_Ser685delinsIle (NM_001322007.2, NM_001322008.2, NM_001406883.1); c.1995_2000del, p.Met665_Ser667delinsIle (NM_001322009.2, NM_001406887.1, NM_001406888.1); c.1806_1811del, p.Met602_Ser604delinsIle (NM_001322010.2, NM_001406906.1, NM_001406907.1); c.1434_1439del, p.Met478_Ser480delinsIle (NM_001322011.2, NM_001322012.2); c.1794_1799del, p.Met598_Ser600delinsIle (NM_001322013.2, NM_001406908.1, NM_001406909.1); c.2244_2249del, p.Met748_Ser750delinsIle (NM_001406870.1); and 20 more.
Identifiers: ClinVar variation 4756721 (VCV004756721.1).